The following is an entry in ClinVar:

ClinVar aggregate classification (germline): Uncertain significance. Review status: criteria provided, multiple submitters, no conflicts (2 of 4 stars). 2 submissions from 2 submitters: Uncertain significance (2). Last evaluated 2024-06-24.

Allele frequency attached by ClinVar (database versions not stated): ESP Exome Variant Server 0.00015.
gnomAD v4.1: 109 of 1,614,036 alleles (0.0068%); highest among the groups gnomAD compares: African/African-American, 0.097%; no homozygotes.

Submissions (2):

Blueprint Genetics
Classification: Uncertain significance. Last evaluated: 2024-06-24. Review status: criteria provided, single submitter. Criteria: ACMG Guidelines, 2015. Collection method: clinical testing. Allele origin: germline.

GeneDx
Classification: Uncertain significance. Last evaluated: 2023-11-14. Review status: criteria provided, single submitter. Criteria: GeneDx Variant Classification Process June 2021. Collection method: clinical testing. Allele origin: germline. Affected: yes.
Comment: In silico analysis supports that this missense variant does not alter protein structure/function; Has not been previously published as pathogenic or benign to our knowledge

NM_001038603.3(MARVELD2):c.31G>T (p.Asp11Tyr)

Gene: MARVELD2 (MARVEL domain containing 2; plus strand). Cytogenetic location: 5q13.2.
Variant type: single nucleotide variant.
Coding change: c.31G>T on transcript NM_001038603.3 (MANE Select); coding-DNA position 31, G replaced by T.
Protein change: p.Asp11Tyr; replaces aspartic acid 11 with tyrosine.
Molecular consequence: missense variant.
Genome position (GRCh38, 1-based): chr5:69,419,416, G>T. VCF-style: chr5-69419416-G-T. GRCh37 (hg19) VCF-style: chr5-68715243-G-T.
Other names: c.31G>T, p.Asp11Tyr (NM_001244734.2); short protein forms D11Y.
Identifiers: ClinVar variation 3252731 (VCV003252731.2), dbSNP rs112747252.